The following is an entry in ClinVar:

NM_020937.4(FANCM):c.2434C>T (p.His812Tyr)

Gene: FANCM (FA complementation group M; plus strand). Cytogenetic location: 14q21.2.
Variant type: single nucleotide variant.
Coding change: c.2434C>T on transcript NM_020937.4 (MANE Select); coding-DNA position 2434, C replaced by T.
Protein change: p.His812Tyr; replaces histidine 812 with tyrosine.
Molecular consequence: missense variant.
Genome position (GRCh38, 1-based): chr14:45,175,188, C>T. VCF-style: chr14-45175188-C-T. GRCh37 (hg19) VCF-style: chr14-45644391-C-T.
Other names: c.2356C>T, p.His786Tyr (NM_001308133.2); short protein forms H786Y, H812Y.
Identifiers: ClinVar variation 5036588 (VCV005036588.1).

ClinVar aggregate classification (germline): Uncertain significance (1 of 4 stars; one submission).

Conditions:
Inborn genetic diseases. Identifiers: MedGen C0950123, MeSH D030342.

gnomAD v4.1: 1 of 1,609,322 alleles (0.000062%); highest among the groups gnomAD compares: African/African-American, 0.0013%; no homozygotes.

Submission:

Ambry Genetics
Classification: Uncertain significance for Inborn genetic diseases. Last evaluated: 2026-06-28. Review status: criteria provided, single submitter. Criteria: Ambry Variant Classification Scheme 2023. Collection method: clinical testing. Allele origin: germline.
Comment: The p.H812Y variant (also known as c.2434C>T), located in coding exon 14 of the FANCM gene, results from a C to T substitution at nucleotide position 2434. The histidine at codon 812 is replaced by tyrosine, an amino acid with similar properties. This amino acid position is conserved. In addition, this alteration is predicted to be tolerated by in silico analysis. Based on the available evidence, the clinical significance of this variant remains unclear.